The following is an entry in ClinVar:

NM_001378454.1(ALMS1):c.12114+4C>T

Genes: ALMS1 (ALMS1 centrosome and basal body associated protein; plus strand), LOC126806252 (BRD4-independent group 4 enhancer GRCh37_chr2:73828496-73829695; plus strand). Cytogenetic location: 2p13.1.
Variant type: single nucleotide variant.
Coding change: c.12114+4C>T on transcript NM_001378454.1 (MANE Select); 4 bases into the intron after coding-DNA position 12114, C replaced by T.
Molecular consequence: intron variant.
Genome position (GRCh38, 1-based): chr2:73,601,440, C>T. VCF-style: chr2-73601440-C-T. GRCh37 (hg19) VCF-style: chr2-73828567-C-T.
Other names: c.12117+4C>T (NM_015120.4); c.12114+4C>T (NM_015120.4).
Identifiers: ClinVar variation 240980 (VCV000240980.10), dbSNP rs373191489, ClinGen allele CA10582106.

ClinVar aggregate classification (germline): Uncertain significance. Review status: criteria provided, multiple submitters, no conflicts (2 of 4 stars). 4 submissions from 4 submitters: Uncertain significance (2). 2 of the submissions do not count toward it. Last evaluated 2025-12-12.

Conditions:
Cardiovascular phenotype. Identifiers: MedGen CN230736.
Alstrom syndrome (ALMS). Identifiers: Orphanet 64, MedGen C0268425, MONDO:0008763, OMIM 203800.

Allele frequency attached by ClinVar (database versions not stated): gnomAD exomes 0.00001 and 0.00002; gnomAD 0.00002 and 0.00011; TOPMed 0.00011; ESP Exome Variant Server 0.00015.
gnomAD v4.1: 41 of 1,613,778 alleles (0.0025%); highest among the groups gnomAD compares: Non-Finnish European, 0.0023%; no homozygotes.

Submissions (4):

Ambry Genetics
Classification: Uncertain significance for Cardiovascular phenotype. Last evaluated: 2025-12-12. Review status: criteria provided, single submitter. Criteria: Ambry Variant Classification Scheme 2023. Collection method: clinical testing. Allele origin: germline.
Comment: The c.12117+4C>T intronic variant results from a C to T substitution 4 nucleotides after coding exon 19 in the ALMS1 gene. This nucleotide position is well conserved in available vertebrate species. In silico splice site analysis for this alteration is inconclusive. Since supporting evidence is limited at this time, the clinical significance of this alteration remains unclear.

Labcorp Genetics (formerly Invitae), Labcorp
Classification: Uncertain significance for Alstrom syndrome. Last evaluated: 2025-08-24. Review status: criteria provided, single submitter. Criteria: Invitae Variant Classification Sherloc (09022015). Collection method: clinical testing. Allele origin: germline.
Comment: This sequence change falls in intron 19 of the ALMS1 gene. It does not directly change the encoded amino acid sequence of the ALMS1 protein. It affects a nucleotide within the consensus splice site. This variant is present in population databases (rs373191489, gnomAD 0.002%). This variant has not been reported in the literature in individuals affected with ALMS1-related conditions. ClinVar contains an entry for this variant (Variation ID: 240980). Variants that disrupt the consensus splice site are a relatively common cause of aberrant splicing (PMID: 17576681, 9536098). Algorithms developed to predict the effect of sequence changes on RNA splicing suggest that this variant may disrupt the consensus splice site. In summary, the available evidence is currently insufficient to determine the role of this variant in disease. Therefore, it has been classified as a Variant of Uncertain Significance.

Natera, Inc.
Classification: Uncertain significance for Alstrom syndrome. Last evaluated: 2020-03-10. Review status: no assertion criteria provided. Collection method: clinical testing. Allele origin: germline. Not counted in ClinVar's aggregate classification.

Counsyl
Classification: Uncertain significance for Alstrom syndrome. Last evaluated: 2017-08-09. Review status: no assertion criteria provided. Collection method: clinical testing. Allele origin: unknown. Not counted in ClinVar's aggregate classification.

Literature cited by the submitters: PubMed 17576681 (cited by Labcorp Genetics (formerly Invitae), Labcorp); PubMed 9536098 (cited by Labcorp Genetics (formerly Invitae), Labcorp).